The following is an entry in ClinVar:

NM_000548.5(TSC2):c.356T>G (p.Leu119Arg)

Gene: TSC2 (TSC complex subunit 2; plus strand). Cytogenetic location: 16p13.3.
Variant type: single nucleotide variant.
Coding change: c.356T>G on transcript NM_000548.5 (MANE Select); coding-DNA position 356, T replaced by G.
Protein change: p.Leu119Arg; replaces leucine 119 with arginine.
Molecular consequence: missense variant. On other transcripts: intron variant (1).
Genome position (GRCh38, 1-based): chr16:2,054,315, T>G. VCF-style: chr16-2054315-T-G. GRCh37 (hg19) VCF-style: chr16-2104316-T-G.
Other names: c.356T>G, p.Leu119Arg (NM_001077183.3, NM_001114382.3, NM_001363528.2 and 3 more transcripts); c.245T>G, p.Leu82Arg (NM_001318827.2); c.209T>G, p.Leu70Arg (NM_001318829.2); c.389T>G, p.Leu130Arg (NM_001318832.2); c.-1-1881T>G (NM_001318831.2); short protein forms L119R, L130R, L82R, L70R.
Identifiers: ClinVar variation 468024 (VCV000468024.13), dbSNP rs1477548902, ClinGen allele CA394306574.

ClinVar aggregate classification (germline): Conflicting classifications of pathogenicity. Review status: criteria provided, conflicting classifications (1 of 4 stars). 3 submissions from 3 submitters: Uncertain significance (2); Benign (1). Last evaluated 2025-11-05.

Conditions:
Hereditary cancer-predisposing syndrome. Also called: Hereditary neoplastic syndrome; Neoplastic Syndromes, Hereditary; Tumor predisposition; Hereditary Cancer Syndrome. Identifiers: Orphanet 140162, MedGen C0027672, MeSH D009386, MONDO:0015356.
Tuberous sclerosis 2 (TSC2). Identifiers: Orphanet 805, MedGen C1860707, MONDO:0013199, OMIM 613254.

Allele frequency attached by ClinVar (database versions not stated): gnomAD exomes below 0.00001; gnomAD 0.00001; TOPMed 0.00001.

Submissions (3):

Labcorp Genetics (formerly Invitae), Labcorp
Classification: Benign for Tuberous sclerosis 2. Last evaluated: 2025-11-05. Review status: criteria provided, single submitter. Criteria: Invitae Variant Classification Sherloc (09022015). Collection method: clinical testing. Allele origin: germline.

GeneDx
Classification: Uncertain significance. Last evaluated: 2024-12-15. Review status: criteria provided, single submitter. Criteria: GeneDx Variant Classification Process June 2021. Collection method: clinical testing. Allele origin: germline. Affected: yes.
Comment: In silico analysis supports that this missense variant has a deleterious effect on protein structure/function; Has not been previously published as pathogenic or benign to our knowledge; This variant is associated with the following publications: (PMID: 18466115)

Ambry Genetics
Classification: Uncertain significance for Hereditary cancer-predisposing syndrome. Last evaluated: 2024-01-25. Review status: criteria provided, single submitter. Criteria: Ambry Variant Classification Scheme 2023. Collection method: clinical testing. Allele origin: germline.
Comment: The p.L119R variant (also known as c.356T>G), located in coding exon 4 of the TSC2 gene, results from a T to G substitution at nucleotide position 356. The leucine at codon 119 is replaced by arginine, an amino acid with dissimilar properties. This amino acid position is highly conserved in available vertebrate species. In addition, this alteration is predicted to be deleterious by in silico analysis. Based on the available evidence, the clinical significance of this alteration remains unclear.